The following is an entry in ClinVar:

ClinVar aggregate classification (germline): Likely pathogenic (1 of 4 stars; one submission).

Submission:

CeGaT Center for Human Genetics Tuebingen
Classification: Likely pathogenic. Last evaluated: 2025-02-01. Review status: criteria provided, single submitter. Criteria: CeGaT Center For Human Genetics Tuebingen Variant Classification Criteria Version 2. Collection method: clinical testing. Allele origin: germline. Affected: yes. Observed: 1 variant allele.
Comment: GABRB2: PM1, PM2, PS2:Moderate, PP2, PP3

NM_001371727.1(GABRB2):c.728G>A (p.Gly243Asp)

Gene: GABRB2 (gamma-aminobutyric acid type A receptor subunit beta2; minus strand). Cytogenetic location: 5q34.
Variant type: single nucleotide variant.
Coding change: c.728G>A on transcript NM_001371727.1 (MANE Select); coding-DNA position 728, G replaced by A.
Protein change: p.Gly243Asp; replaces glycine 243 with aspartic acid.
Molecular consequence: missense variant.
Genome position (GRCh38, 1-based): chr5:161,334,856, C>T on the plus strand (G>A on the coding strand, the complement: GABRB2 is on the minus strand). VCF-style: chr5-161334856-C-T. GRCh37 (hg19) VCF-style: chr5-160761863-C-T.
Other names: c.728G>A, p.Gly243Asp (NM_000813.3, NM_021911.3); short protein forms G243D.
Identifiers: ClinVar variation 3772428 (VCV003772428.13).